The following is an entry in ClinVar:

NM_003049.4(SLC10A1):c.356+28C>A

Gene: SLC10A1 (solute carrier family 10 member 1; minus strand). Cytogenetic location: 14q24.1.
Variant type: single nucleotide variant.
Coding change: c.356+28C>A on transcript NM_003049.4 (MANE Select); 28 bases into the intron after coding-DNA position 356, C replaced by A.
Molecular consequence: intron variant.
Genome position (GRCh38, 1-based): chr14:69,796,772, G>T on the plus strand (C>A on the coding strand, the complement: SLC10A1 is on the minus strand). VCF-style: chr14-69796772-G-T. GRCh37 (hg19) VCF-style: chr14-70263489-G-T.
Other names: p.?.
Identifiers: ClinVar variation 4683894 (VCV004683894.1).
Genomic context (GRCh38, chr14:69,796,772, plus strand): 5'-CTGGCTTTAGCCCAGCTCTTCCCCTCAATTGTGACATATCTAATGTAGCTCCTGTCCCAG[G>T]CTGTTCCCTCCTCACCCCCAGGCCTACCTGAGGTTCATGTCCCCCTTCATGGCCAGACTG-3'

ClinVar aggregate classification (germline): Likely benign (1 of 4 stars; one submission).

Submission:

Mayo Clinic Laboratories, Mayo Clinic
Classification: Likely benign. Last evaluated: 2025-01-27. Review status: criteria provided, single submitter. Criteria: ACMG Guidelines, 2015. Collection method: clinical testing. Allele origin: germline. Observed: 1 variant allele.
Comment: BA1, BP7